The following is an entry in ClinVar:

NM_020975.6(RET):c.990G>A (p.Arg330=)

Gene: RET (ret proto-oncogene; plus strand). Cytogenetic location: 10q11.21.
Variant type: single nucleotide variant.
Coding change: c.990G>A on transcript NM_020975.6 (MANE Select); coding-DNA position 990, G replaced by A.
Protein change: p.Arg330=; no amino-acid change (arginine 330 retained).
Molecular consequence: synonymous variant. On other transcripts: intron variant (25).
Genome position (GRCh38, 1-based): chr10:43,106,498, G>A. VCF-style: chr10-43106498-G-A. GRCh37 (hg19) VCF-style: chr10-43601946-G-A.
Other names: c.228G>A, p.Arg76= (NM_001355216.2); c.990G>A, p.Arg330= (NM_001406743.1, NM_001406744.1, NM_001406759.1 and 4 more transcripts); c.861G>A, p.Arg287= (NM_001406761.1, NM_001406762.1, NM_001406764.1 and 1 more transcripts); c.702G>A, p.Arg234= (NM_001406766.1, NM_001406767.1, NM_001406770.1); c.867+1305G>A (NM_001406772.1, NM_001406769.1); c.626-2533G>A (NM_001406773.1, NM_001406771.1); c.625+3869G>A (NM_001406782.1, NM_001406780.1, NM_001406779.1 and 3 more transcripts); c.738+1305G>A (NM_001406774.1); and 5 more.
Identifiers: ClinVar variation 3904576 (VCV003904576.1).
Genomic context (GRCh38, chr10:43,106,498, plus strand): 5'-GGTGAGGCGGTACACAAGCACGCTGCTCCCCGGGGACACCTGGGCCCAGCAGACCTTCCG[G>A]GTGGAACACTGGCCCAACGAGACCTCGGTCCAGGCCAACGGCAGCTTCGTGCGGGCGACC-3'
Protein context (NP_066124.1, residues 320-340): PGDTWAQQTF[Arg330=]VEHWPNETSV

ClinVar aggregate classification (germline): Benign (1 of 4 stars; one submission).

Conditions:
Multiple endocrine neoplasia type 2A. Also called: Multiple Endocrine Neoplasia Type 2A (MEN2A); MULTIPLE ENDOCRINE NEOPLASIA, TYPE IIA; PTC SYNDROME; SIPPLE SYNDROME; MEN 2A; MEN-2A syndrome. Identifiers: Orphanet 247698, Orphanet 653, MedGen C0025268, MeSH D018813, MONDO:0008234, OMIM 171400.

gnomAD v4.1: 2 of 1,613,766 alleles (0.00012%); highest among the groups gnomAD compares: East Asian, 0.0022%; no homozygotes.

Submission:

Myriad Genetics, Inc.
Classification: Benign for Multiple endocrine neoplasia type 2A. Last evaluated: 2025-02-25. Review status: criteria provided, single submitter. Criteria: Myriad Autosomal Dominant, Autosomal Recessive and X-Linked Classification Criteria (2023). Collection method: clinical testing. Allele origin: unknown.
Comment: This variant is considered benign. This variant is a silent/synonymous amino acid change and it is not expected to impact splicing.